The following is an entry in ClinVar:

NM_005720.4(ARPC1B):c.930C>T (p.Ser310=)

Gene: ARPC1B (actin related protein 2/3 complex subunit 1B; plus strand). Cytogenetic location: 7q22.1.
Variant type: single nucleotide variant.
Coding change: c.930C>T on transcript NM_005720.4 (MANE Select); coding-DNA position 930, C replaced by T.
Protein change: p.Ser310=; no amino-acid change (serine 310 retained).
Molecular consequence: synonymous variant.
Genome position (GRCh38, 1-based): chr7:99,392,817, C>T. VCF-style: chr7-99392817-C-T. GRCh37 (hg19) VCF-style: chr7-98990440-C-T.
Identifiers: ClinVar variation 1614206 (VCV001614206.29), dbSNP rs747924128, ClinGen allele CA163113681.

ClinVar aggregate classification (germline): Likely benign. Review status: criteria provided, multiple submitters, no conflicts (2 of 4 stars). 4 submissions from 4 submitters: Likely benign (4). Last evaluated 2025-10-25.

Conditions:
Platelet abnormalities with eosinophilia and immune-mediated inflammatory disease. Also called: IMMUNODEFICIENCY 71 WITH INFLAMMATORY DISEASE AND CONGENITAL THROMBOCYTOPENIA. Identifiers: MedGen C4540232, MONDO:0060583, OMIM 617718.

Allele frequency attached by ClinVar (database versions not stated): gnomAD exomes 0.00009 and 0.00011; TOPMed 0.00009; gnomAD 0.00011 and 0.00013.
gnomAD v4.1: 171 of 1,550,118 alleles (0.011%); highest among the groups gnomAD compares: Non-Finnish European, 0.014%; no homozygotes.

Submissions (4):

Labcorp Genetics (formerly Invitae), Labcorp
Classification: Likely benign. Last evaluated: 2025-10-25. Review status: criteria provided, single submitter. Criteria: Invitae Variant Classification Sherloc (09022015). Collection method: clinical testing. Allele origin: germline.

CeGaT Center for Human Genetics Tuebingen
Classification: Likely benign. Last evaluated: 2024-05-01. Review status: criteria provided, single submitter. Criteria: CeGaT Center For Human Genetics Tuebingen Variant Classification Criteria Version 2. Collection method: clinical testing. Allele origin: germline. Affected: yes. Observed: 1 variant allele.
Comment: ARPC1B: BP4, BP7

Blueprint Genetics
Classification: Likely benign. Last evaluated: 2024-03-15. Review status: criteria provided, single submitter. Criteria: ACMG Guidelines, 2015. Collection method: clinical testing. Allele origin: germline.

Center for Genomics, Ann and Robert H. Lurie Children's Hospital of Chicago
Classification: Likely benign for Platelet abnormalities with eosinophilia and immune-mediated inflammatory disease. Last evaluated: 2022-10-13. Review status: criteria provided, single submitter. Criteria: ACMG Guidelines, 2015. Collection method: clinical testing. Allele origin: germline.
Comment: This variant has not been reported in the literature but is present in the Genome Aggregation Database (Highest reported MAF 0.02% (16/68048). This variant is present in ClinVar (Variation ID:1614206). Evolutionary conservation and computational predictive tools for this variant are limited or unavailable. Of note, this variant is a silent variant and does not change the amino acid, reducing the probability that this variant is disease causing. In summary, data on this variant suggests that this variant does not cause disease but requires further evidence. Therefore, this variant is classified as likely benign.